The following is an entry in ClinVar:

NM_001330260.2(SCN8A):c.1749C>A (p.Phe583Leu)

Gene: SCN8A (sodium voltage-gated channel alpha subunit 8; plus strand). Cytogenetic location: 12q13.13.
Variant type: single nucleotide variant.
Coding change: c.1749C>A on transcript NM_001330260.2 (MANE Select); coding-DNA position 1749, C replaced by A.
Protein change: p.Phe583Leu; replaces phenylalanine 583 with leucine.
Molecular consequence: missense variant.
Genome position (GRCh38, 1-based): chr12:51,721,659, C>A. VCF-style: chr12-51721659-C-A. GRCh37 (hg19) VCF-style: chr12-52115443-C-A.
Other names: c.1749C>A, p.Phe583Leu (NM_001177984.3, NM_001369788.1, NM_014191.4); c.1749C>A (NM_001330260.1); short protein forms F583L.
Identifiers: ClinVar variation 3764448 (VCV003764448.2).
Genomic context (GRCh38, chr12:51,721,659, plus strand): 5'-CAGCATCTTCAGTTTCAGGGGACCTGGGCGGTTCCGAGACCCGGGCTCCGAGAATGAGTT[C>A]GCGGATGACGAGCACAGCACGGTGGAGGAGAGCGAGGGCCGCCGGGACTCCCTCTTCATC-3'
Protein context (NP_001317189.1, residues 573-593): RFRDPGSENE[Phe583Leu]ADDEHSTVEE

ClinVar aggregate classification (germline): Uncertain significance (1 of 4 stars; one submission).

Submission:

GeneDx
Classification: Uncertain significance. Last evaluated: 2025-03-03. Review status: criteria provided, single submitter. Criteria: GeneDx Variant Classification Process June 2021. Collection method: clinical testing. Allele origin: germline.
Comment: Not observed at significant frequency in large population cohorts (gnomAD); In silico analysis supports that this missense variant has a deleterious effect on protein structure/function; This substitution is predicted to be within the cytoplasmic loop between the first and second homologous domains; Has not been previously published as pathogenic or benign to our knowledge